The following is an entry in ClinVar:

ClinVar aggregate classification (germline): Uncertain significance (1 of 4 stars; one submission).

Allele frequency attached by ClinVar (database versions not stated): gnomAD exomes below 0.00001; TOPMed 0.00001.
gnomAD v4.1: 1 of 1,614,120 alleles (0.000062%); highest among the groups gnomAD compares: African/African-American, 0.0013%; no homozygotes.

Submission:

Labcorp Genetics (formerly Invitae), Labcorp
Classification: Uncertain significance. Last evaluated: 2025-05-17. Review status: criteria provided, single submitter. Criteria: Invitae Variant Classification Sherloc (09022015). Collection method: clinical testing. Allele origin: germline.
Comment: This sequence change replaces asparagine, which is neutral and polar, with serine, which is neutral and polar, at codon 1224 of the CLTC protein (p.Asn1224Ser). This variant is not present in population databases (gnomAD no frequency). This variant has not been reported in the literature in individuals affected with CLTC-related conditions. ClinVar contains an entry for this variant (Variation ID: 2803862). Invitae Evidence Modeling of protein sequence and biophysical properties (such as structural, functional, and spatial information, amino acid conservation, physicochemical variation, residue mobility, and thermodynamic stability) indicates that this missense variant is not expected to disrupt CLTC protein function with a negative predictive value of 80%. In summary, the available evidence is currently insufficient to determine the role of this variant in disease. Therefore, it has been classified as a Variant of Uncertain Significance.

NM_004859.4(CLTC):c.3659A>G (p.Asn1220Ser)

Gene: CLTC (clathrin heavy chain; plus strand). Cytogenetic location: 17q23.1.
Variant type: single nucleotide variant.
Coding change: c.3659A>G on transcript NM_004859.4 (MANE Select); coding-DNA position 3659, A replaced by G.
Protein change: p.Asn1220Ser; replaces asparagine 1220 with serine.
Molecular consequence: missense variant.
Genome position (GRCh38, 1-based): chr17:59,682,687, A>G. VCF-style: chr17-59682687-A-G. GRCh37 (hg19) VCF-style: chr17-57760048-A-G.
Other names: c.3671A>G, p.Asn1224Ser (NM_001288653.2); short protein forms N1224S, N1220S.
Identifiers: ClinVar variation 2803862 (VCV002803862.3), dbSNP rs1567970345, ClinGen allele CA400418337.